The following is an entry in ClinVar:

ClinVar aggregate classification (germline): Uncertain significance. Review status: criteria provided, multiple submitters, no conflicts (2 of 4 stars). 2 submissions from 2 submitters: Uncertain significance (2). Last evaluated 2024-03-28.

Conditions:
Bardet-Biedl syndrome 14 (BBS14). Identifiers: Orphanet 110, MedGen C2673874, MONDO:0014442, OMIM 615991.
COACH syndrome 1. Identifiers: Orphanet 1454, MedGen C5435651, MONDO:0800103, OMIM 216360, MONDO:0008996.
Nephronophthisis 11 (NPHP11). Identifiers: Orphanet 84081, MedGen C3150796, MONDO:0013302, OMIM 613550.
Joubert syndrome 6 (JBTS6). Identifiers: Orphanet 475, MedGen C1853153, MONDO:0012539, OMIM 610688.
Meckel syndrome, type 3 (MKS3). Also called: MECKEL-GRUBER SYNDROME, TYPE 3. Identifiers: Orphanet 564, MedGen C1846357, MONDO:0011821, OMIM 607361.
RHYNS syndrome. Also called: RETINITIS PIGMENTOSA SYNDROME; RETINITIS PIGMENTOSA, HYPOPITUITARISM, NEPHRONOPHTHISIS, AND MILD SKELETAL DYSPLASIA. Identifiers: Orphanet 140976, MedGen C1865794, MONDO:0011202, OMIM 602152.
Joubert syndrome. Also called: CEREBELLOPARENCHYMAL DISORDER IV; JOUBERT-BOLTSHAUSER SYNDROME; Familial aplasia of the vermis. Identifiers: Orphanet 475, MedGen C5979921, MONDO:0018772.
Meckel-Gruber syndrome. Also called: DYSENCEPHALIA SPLANCHNOCYSTICA; GRUBER SYNDROME; Dysencephalia splachnocystica. Identifiers: Orphanet 564, MedGen C0265215, MONDO:0018921.

Allele frequency attached by ClinVar (database versions not stated): gnomAD exomes below 0.00001; TOPMed below 0.00001.
gnomAD v4.1: 2 of 1,613,752 alleles (0.00012%); highest among the groups gnomAD compares: Admixed American, 0.0017%; no homozygotes.

Submissions (2):

Fulgent Genetics
Classification: Uncertain significance for COACH syndrome 1; RHYNS syndrome; Meckel syndrome, type 3; Joubert syndrome 6; Nephronophthisis 11; Bardet-Biedl syndrome 14. Last evaluated: 2024-03-28. Review status: criteria provided, single submitter. Criteria: ACMG Guidelines, 2015. Collection method: clinical testing. Allele origin: germline.

Labcorp Genetics (formerly Invitae), Labcorp
Classification: Uncertain significance for Joubert syndrome; Meckel-Gruber syndrome. Last evaluated: 2022-05-29. Review status: criteria provided, single submitter. Criteria: Invitae Variant Classification Sherloc (09022015). Collection method: clinical testing. Allele origin: germline.
Comment: This sequence change replaces serine, which is neutral and polar, with threonine, which is neutral and polar, at codon 722 of the TMEM67 protein (p.Ser722Thr). This variant is present in population databases (no rsID available, gnomAD 0.003%). This variant has not been reported in the literature in individuals affected with TMEM67-related conditions. Advanced modeling of protein sequence and biophysical properties (such as structural, functional, and spatial information, amino acid conservation, physicochemical variation, residue mobility, and thermodynamic stability) performed at Invitae indicates that this missense variant is not expected to disrupt TMEM67 protein function. In summary, the available evidence is currently insufficient to determine the role of this variant in disease. Therefore, it has been classified as a Variant of Uncertain Significance.

NM_153704.6(TMEM67):c.2165G>C (p.Ser722Thr)

Gene: TMEM67 (transmembrane protein 67; plus strand). Cytogenetic location: 8q22.1.
Variant type: single nucleotide variant.
Coding change: c.2165G>C on transcript NM_153704.6 (MANE Select); coding-DNA position 2165, G replaced by C.
Protein change: p.Ser722Thr; replaces serine 722 with threonine.
Molecular consequence: missense variant. On other transcripts: non-coding transcript variant (1).
Genome position (GRCh38, 1-based): chr8:93,799,682, G>C. VCF-style: chr8-93799682-G-C. GRCh37 (hg19) VCF-style: chr8-94811910-G-C.
Other names: c.1922G>C, p.Ser641Thr (NM_001142301.1); short protein forms S641T, S722T.
Identifiers: ClinVar variation 2415663 (VCV002415663.6), dbSNP rs1038749740, ClinGen allele CA181341905.